The following is an entry in ClinVar:

NM_001297.5(CNGB1):c.1846G>A (p.Ala616Thr)

Gene: CNGB1 (cyclic nucleotide gated channel subunit beta 1; minus strand). Cytogenetic location: 16q21.
Variant type: single nucleotide variant.
Coding change: c.1846G>A on transcript NM_001297.5 (MANE Select); coding-DNA position 1846, G replaced by A.
Protein change: p.Ala616Thr; replaces alanine 616 with threonine.
Molecular consequence: missense variant.
Genome position (GRCh38, 1-based): chr16:57,919,210, C>T on the plus strand (G>A on the coding strand, the complement: CNGB1 is on the minus strand). VCF-style: chr16-57919210-C-T. GRCh37 (hg19) VCF-style: chr16-57953114-C-T.
Other names: c.1828G>A, p.Ala610Thr (NM_001286130.2); short protein forms A610T, A616T.
Identifiers: ClinVar variation 1493495 (VCV001493495.8), dbSNP rs779726773, ClinGen allele CA8083259.
Genomic context (GRCh38, chr16:57,919,210, plus strand): 5'-GTTTGAACTTGCAGCAGAGCATGTCGCAATAGTGCTCCTCTTCCACTGGCTCGGCTTCAG[C>T]GGGCTTTGTGTCTGGAGCTGGCTCTGGGGCTTTCTTGGCTGGGGCTGTGGGATGACATTG-3'
Protein context (NP_001288.3, residues 606-626): APEPAPDTKP[Ala616Thr]EAEPVEEEHY

ClinVar aggregate classification (germline): Uncertain significance. Review status: criteria provided, multiple submitters, no conflicts (2 of 4 stars). 2 submissions from 2 submitters: Uncertain significance (2). Last evaluated 2024-11-07.

Allele frequency attached by ClinVar (database versions not stated): gnomAD exomes 0.00004; ExAC 0.00006; gnomAD 0.00007; TOPMed 0.00008.
gnomAD v4.1: 91 of 1,614,088 alleles (0.0056%); highest among the groups gnomAD compares: Non-Finnish European, 0.0068%; no homozygotes.

Submissions (2):

Blueprint Genetics
Classification: Uncertain significance. Last evaluated: 2024-11-07. Review status: criteria provided, single submitter. Criteria: ACMG Guidelines, 2015. Collection method: clinical testing. Allele origin: germline.

Labcorp Genetics (formerly Invitae), Labcorp
Classification: Uncertain significance. Last evaluated: 2024-05-09. Review status: criteria provided, single submitter. Criteria: Invitae Variant Classification Sherloc (09022015). Collection method: clinical testing. Allele origin: germline.
Comment: This sequence change replaces alanine, which is neutral and non-polar, with threonine, which is neutral and polar, at codon 616 of the CNGB1 protein (p.Ala616Thr). This variant is present in population databases (rs779726773, gnomAD 0.007%). This variant has not been reported in the literature in individuals affected with CNGB1-related conditions. ClinVar contains an entry for this variant (Variation ID: 1493495). Advanced modeling of protein sequence and biophysical properties (such as structural, functional, and spatial information, amino acid conservation, physicochemical variation, residue mobility, and thermodynamic stability) performed at Invitae indicates that this missense variant is not expected to disrupt CNGB1 protein function with a negative predictive value of 80%. In summary, the available evidence is currently insufficient to determine the role of this variant in disease. Therefore, it has been classified as a Variant of Uncertain Significance.